The following is an entry in ClinVar:

ClinVar aggregate classification (germline): Uncertain significance. Review status: criteria provided, multiple submitters, no conflicts (2 of 4 stars). 3 submissions from 3 submitters: Uncertain significance (3). Last evaluated 2026-06-22.

Conditions:
OTOF-related disorder. Also called: OTOF-related condition.

Allele frequency attached by ClinVar (database versions not stated): gnomAD exomes below 0.00001 and 0.00001; gnomAD 0.00001; TOPMed 0.00004.
gnomAD v4.1: 2 of 1,609,072 alleles (0.00012%); highest among the groups gnomAD compares: African/African-American, 0.0027%; no homozygotes.

Submissions (3):

PreventionGenetics, part of Exact Sciences
Classification: Uncertain significance for OTOF-related condition. Last evaluated: 2026-06-22. Review status: criteria provided, single submitter. Criteria: ACMG Guidelines, 2015. Collection method: clinical testing. Allele origin: germline.
Comment: The OTOF c.1614C>A variant is predicted to result in the amino acid substitution p.Asn538Lys. To our knowledge, this variant has not been reported in the literature. This variant is reported in 0.016% of alleles in individuals of African descent in gnomAD. At this time, the clinical significance of this variant is uncertain due to the absence of conclusive functional and genetic evidence.

GeneDx
Classification: Uncertain significance. Last evaluated: 2022-03-14. Review status: criteria provided, single submitter. Criteria: GeneDx Variant Classification Process June 2021. Collection method: clinical testing. Allele origin: germline. Affected: yes.
Comment: In silico analysis supports that this missense variant has a deleterious effect on protein structure/function; Has not been previously published as pathogenic or benign to our knowledge

Laboratory for Molecular Medicine, Mass General Brigham Personalized Medicine
Classification: Uncertain significance. Last evaluated: 2008-03-01. Review status: criteria provided, single submitter. Criteria: LMM Criteria. Collection method: clinical testing. Allele origin: germline. Observed: 1 variant allele.

NM_194248.3(OTOF):c.1614C>A (p.Asn538Lys)

Gene: OTOF (otoferlin; minus strand). Cytogenetic location: 2p23.3.
Variant type: single nucleotide variant.
Coding change: c.1614C>A on transcript NM_194248.3 (MANE Select); coding-DNA position 1614, C replaced by A.
Protein change: p.Asn538Lys; replaces asparagine 538 with lysine.
Molecular consequence: missense variant.
Genome position (GRCh38, 1-based): chr2:26,480,975, G>T on the plus strand (C>A on the coding strand, the complement: OTOF is on the minus strand). VCF-style: chr2-26480975-G-T. GRCh37 (hg19) VCF-style: chr2-26703843-G-T.
Other names: c.1614C>A, p.Asn538Lys (NM_001287489.2); short protein forms N538K.
Identifiers: ClinVar variation 48175 (VCV000048175.8), dbSNP rs111033350, ClinGen allele CA142754.